The following is an entry in ClinVar:

ClinVar aggregate classification (germline): Uncertain significance. Review status: criteria provided, multiple submitters, no conflicts (2 of 4 stars). 2 submissions from 2 submitters: Uncertain significance (2). Last evaluated 2024-08-15.

Conditions:
Rubinstein-Taybi syndrome (RSTS). Identifiers: Orphanet 783, MedGen C0035934, MONDO:0019188.

Submissions (2):

Labcorp Genetics (formerly Invitae), Labcorp
Classification: Uncertain significance for Rubinstein-Taybi syndrome. Last evaluated: 2024-08-15. Review status: criteria provided, single submitter. Criteria: Invitae Variant Classification Sherloc (09022015). Collection method: clinical testing. Allele origin: germline.
Comment: This variant, c.6600_6632del, results in the deletion of 11 amino acid(s) of the CREBBP protein (p.Gln2206_Gln2216del), but otherwise preserves the integrity of the reading frame. This variant is not present in population databases (gnomAD no frequency). This variant has not been reported in the literature in individuals affected with CREBBP-related conditions. ClinVar contains an entry for this variant (Variation ID: 1311925). Experimental studies and prediction algorithms are not available or were not evaluated, and the functional significance of this variant is currently unknown. In summary, the available evidence is currently insufficient to determine the role of this variant in disease. Therefore, it has been classified as a Variant of Uncertain Significance.

GeneDx
Classification: Uncertain significance. Last evaluated: 2020-01-02. Review status: criteria provided, single submitter. Criteria: GeneDx Variant Classification Process June 2021. Collection method: clinical testing. Allele origin: germline. Affected: yes.
Comment: Not observed in large population cohorts (Lek et al., 2016); In silico analysis, which includes protein predictors and evolutionary conservation, supports a deleterious effect; In-frame deletion in a repetitive region with no known function; Has not been previously published as pathogenic or benign to our knowledge

NM_004380.3(CREBBP):c.6600_6632del (p.Gln2206_Gln2216del)

Gene: CREBBP (CREB binding lysine acetyltransferase; minus strand). Cytogenetic location: 16p13.3.
Variant type: Deletion.
Coding change: c.6600_6632del on transcript NM_004380.3 (MANE Select); coding-DNA positions 6600 to 6632, 33 bases deleted.
Protein change: p.Gln2206_Gln2216del.
Molecular consequence: inframe deletion.
Genome position (GRCh38, 1-based): chr16:3,728,415-3,728,447, 33 bases deleted; deleting any 33 consecutive bases within chr16:3,728,415-3,728,453 gives the same sequence; the c. name uses the placement nearest the transcript's 3' end. GRCh37 (hg19): chr16:3,778,422-3,778,454.
Other names: c.6486_6518del, p.Gln2168_Gln2178del (NM_001079846.1).
Identifiers: ClinVar variation 1311925 (VCV001311925.4), dbSNP rs2051809059, ClinGen allele CA2202928650.